The following is an entry in ClinVar:

NM_001849.4(COL6A2):c.1458+3C>T

Gene: COL6A2 (collagen type VI alpha 2 chain; plus strand). Cytogenetic location: 21q22.3.
Variant type: single nucleotide variant.
Coding change: c.1458+3C>T on transcript NM_001849.4 (MANE Select); 3 bases into the intron after coding-DNA position 1458, C replaced by T.
Molecular consequence: intron variant.
Genome position (GRCh38, 1-based): chr21:46,121,126, C>T. VCF-style: chr21-46121126-C-T. GRCh37 (hg19) VCF-style: chr21-47541040-C-T.
Other names: c.1458+3C>T (NM_058175.3, NM_058174.3).
Identifiers: ClinVar variation 194730 (VCV000194730.14), dbSNP rs794727186, ClinGen allele CA240868.
Genomic context (GRCh38, chr21:46,121,126, plus strand): 5'-CCGAGGCTTGCCTGGACCCAGAGGCCCCCAGGGAGCTCTTGGGGAGCCCGGAAAGCAGGT[C>T]AGTGTCAGTGCAGGAGGCCGGTGCCCTCTGACCCCACGGGTGGGTCTCCCCTATCCATGT-3'

ClinVar aggregate classification (germline): Conflicting classifications of pathogenicity. Review status: criteria provided, conflicting classifications (1 of 4 stars). 4 submissions from 4 submitters: Uncertain significance (3); Likely benign (1). Last evaluated 2024-04-04.

Conditions:
Bethlem myopathy 1A. Also called: Bethlem myopathy 1; MYOPATHY, BENIGN CONGENITAL, WITH CONTRACTURES; Bethlem Muscular Dystrophy. Identifiers: Orphanet 610, MedGen CN029274, MONDO:0024530, OMIM 158810.

Allele frequency attached by ClinVar (database versions not stated): TOPMed below 0.00001; gnomAD exomes 0.00001.
gnomAD v4.1: 14 of 1,612,524 alleles (0.00087%); highest among the groups gnomAD compares: Non-Finnish European, 0.0011%; no homozygotes.

Submissions (4):

Women's Health and Genetics/Laboratory Corporation of America, LabCorp
Classification: Uncertain significance. Last evaluated: 2024-04-04. Review status: criteria provided, single submitter. Criteria: LabCorp Variant Classification Summary - May 2015. Collection method: clinical testing. Allele origin: germline.
Comment: Variant summary: COL6A2 c.1458+3C>T alters a non-conserved nucleotide located close to a canonical splice site and therefore could affect mRNA splicing, leading to a significantly altered protein sequence. Consensus agreement among computation tools predict no significant impact on normal splicing. However, these predictions have yet to be confirmed by functional studies. The variant allele was found at a frequency of 8.1e-06 in 247412 control chromosomes. The available data on variant occurrences in the general population are insufficient to allow any conclusion about variant significance. To our knowledge, no occurrence of c.1458+3C>T in individuals affected with Collagen Type VI-Related Disorders and no experimental evidence demonstrating its impact on protein function have been reported. ClinVar contains an entry for this variant (Variation ID: 194730). Based on the evidence outlined above, the variant was classified as uncertain significance.

Labcorp Genetics (formerly Invitae), Labcorp
Classification: Uncertain significance for Bethlem myopathy 1A. Last evaluated: 2024-01-31. Review status: criteria provided, single submitter. Criteria: Invitae Variant Classification Sherloc (09022015). Collection method: clinical testing. Allele origin: germline.
Comment: This sequence change falls in intron 17 of the COL6A2 gene. It does not directly change the encoded amino acid sequence of the COL6A2 protein. It affects a nucleotide within the consensus splice site. This variant is present in population databases (rs794727186, gnomAD 0.0009%). This variant has not been reported in the literature in individuals affected with COL6A2-related conditions. ClinVar contains an entry for this variant (Variation ID: 194730). Variants that disrupt the consensus splice site are a relatively common cause of aberrant splicing (PMID: 17576681, 9536098). Algorithms developed to predict the effect of sequence changes on RNA splicing suggest that this variant is not likely to affect RNA splicing. In summary, the available evidence is currently insufficient to determine the role of this variant in disease. Therefore, it has been classified as a Variant of Uncertain Significance.

Blueprint Genetics
Classification: Likely benign. Last evaluated: 2022-07-19. Review status: criteria provided, single submitter. Criteria: ACMG Guidelines, 2015. Collection method: clinical testing. Allele origin: germline.

Eurofins Ntd Llc (ga)
Classification: Uncertain significance. Last evaluated: 2014-11-25. Review status: criteria provided, single submitter. Criteria: EGL Classification Definitions 2015. Collection method: clinical testing. Allele origin: germline. Observed: 1 variant allele, 1 heterozygote.

Literature cited by the submitters: PubMed 17576681 (cited by Labcorp Genetics (formerly Invitae), Labcorp); PubMed 9536098 (cited by Labcorp Genetics (formerly Invitae), Labcorp).